The following is an entry in ClinVar:

ClinVar aggregate classification (germline): Conflicting classifications of pathogenicity. Review status: criteria provided, conflicting classifications (1 of 4 stars). 5 submissions from 5 submitters: Uncertain significance (3); Likely benign (1). 1 of the submissions does not count toward it. Last evaluated 2025-05-16.

Conditions:
Hereditary breast ovarian cancer syndrome. Also called: Hereditary breast and ovarian cancer syndrome; Hereditary breast and ovarian cancer; Hereditary breast and ovarian cancer syndrome (HBOC); Breast and ovarian cancer; Hereditary breast and/or ovarian cancer syndrome; BRCA1- and BRCA2-Associated Hereditary Breast and Ovarian Cancer. Identifiers: Orphanet 145, MedGen C0677776, MeSH D061325, MONDO:0003582. Disease mechanism: loss of function.
Familial cancer of breast. Also called: BREAST CANCER, FAMILIAL; Hereditary breast cancer; hereditary breast carcinoma. Identifiers: Orphanet 227535, MedGen C0346153, MONDO:0016419, OMIM 114480. Disease mechanism: loss of function.
Hereditary cancer-predisposing syndrome. Also called: Neoplastic Syndromes, Hereditary; Tumor predisposition; Hereditary neoplastic syndrome; Hereditary Cancer Syndrome. Identifiers: Orphanet 140162, MedGen C0027672, MeSH D009386, MONDO:0015356.
Breast-ovarian cancer, familial, susceptibility to, 2 (BROVCA2). Also called: BRCA2 Hereditary Breast and Ovarian Cancer. Identifiers: Orphanet 145, MedGen C2675520, MONDO:0012933, OMIM 612555. Disease mechanism: loss of function.

Submissions (5):

Ambry Genetics
Classification: Likely benign for Hereditary cancer-predisposing syndrome. Last evaluated: 2025-05-16. Review status: criteria provided, single submitter. Criteria: Ambry Variant Classification Scheme 2023. Collection method: clinical testing. Allele origin: germline.

Labcorp Genetics (formerly Invitae), Labcorp
Classification: Uncertain significance for Hereditary breast ovarian cancer syndrome. Last evaluated: 2023-11-06. Review status: criteria provided, single submitter. Criteria: Invitae Variant Classification Sherloc (09022015). Collection method: clinical testing. Allele origin: germline.
Comment: This sequence change replaces leucine, which is neutral and non-polar, with valine, which is neutral and non-polar, at codon 3101 of the BRCA2 protein (p.Leu3101Val). This variant is not present in population databases (gnomAD no frequency). This missense change has been observed in individual(s) with clinical features of BRCA2-related conditions (PMID: 10923033, 21520333). ClinVar contains an entry for this variant (Variation ID: 52809). Advanced modeling of protein sequence and biophysical properties (such as structural, functional, and spatial information, amino acid conservation, physicochemical variation, residue mobility, and thermodynamic stability) performed at Invitae indicates that this missense variant is not expected to disrupt BRCA2 protein function with a negative predictive value of 95%. This variant disrupts the p.Leu3101 amino acid residue in BRCA2. Other variant(s) that disrupt this residue have been determined to be pathogenic (Invitae). This suggests that this residue is clinically significant, and that variants that disrupt this residue are likely to be disease-causing. In summary, the available evidence is currently insufficient to determine the role of this variant in disease. Therefore, it has been classified as a Variant of Uncertain Significance.

All of Us Research Program, National Institutes of Health
Classification: Uncertain significance for Breast-ovarian cancer, familial, susceptibility to, 2. Last evaluated: 2023-09-17. Review status: criteria provided, single submitter. Criteria: ACMG Guidelines, 2015. Collection method: clinical testing. Allele origin: germline. Inheritance: Autosomal dominant inheritance. Observed: 1 variant allele, 1 heterozygote.
Comment: This missense variant replaces leucine with valine at codon 3101 of the BRCA2 protein. Computational prediction is inconclusive regarding the impact of this variant on protein structure and function (internally defined REVEL score threshold 0.5 < inconclusive < 0.7, PMID: 27666373). To our knowledge, functional studies have not been reported for this variant. This variant has not been reported in individuals affected with BRCA2-related disorders in the literature. A different variant affecting the same codon, c.9302T>G (p.Leu3101Arg), is considered to be disease-causing (ClinVar variation ID: 38230), suggesting that Leu at this position is important for BRCA2 protein function. This variant has not been identified in the general population by the Genome Aggregation Database (gnomAD). The available evidence is insufficient to determine the role of this variant in disease conclusively. Therefore, this variant is classified as a Variant of Uncertain Significance.

This study involves interpretation of variants in research participants for the purpose of population health screening. Participant phenotype was not available at the time of variant classification. Additional details can be found in publication PMID: 35346344, PMCID: PMC8962531

Baylor Genetics
Classification: Uncertain significance for Familial cancer of breast. Last evaluated: 2023-07-11. Review status: criteria provided, single submitter. Criteria: ACMG Guidelines, 2015. Collection method: clinical testing. Allele origin: unknown.

Breast Cancer Information Core (BIC) (BRCA2)
Classification: Uncertain significance for Breast-ovarian cancer, familial 2. Last evaluated: 1997-11-13. Review status: no assertion criteria provided. Collection method: clinical testing. Allele origin: germline. Affected: yes. Observed: 1 variant allele. Not counted in ClinVar's aggregate classification.

Literature cited by the submitters: PubMed 10923033 (cited by Labcorp Genetics (formerly Invitae), Labcorp); PubMed 21520333 (cited by Labcorp Genetics (formerly Invitae), Labcorp).

NM_000059.4(BRCA2):c.9301C>G (p.Leu3101Val)

Gene: BRCA2 (BRCA2 DNA repair associated; plus strand). Cytogenetic location: 13q13.1.
Variant type: single nucleotide variant.
Coding change: c.9301C>G on transcript NM_000059.4 (MANE Select); coding-DNA position 9301, C replaced by G.
Protein change: p.Leu3101Val; replaces leucine 3101 with valine.
Molecular consequence: missense variant.
Genome position (GRCh38, 1-based): chr13:32,394,733, C>G. VCF-style: chr13-32394733-C-G. GRCh37 (hg19) VCF-style: chr13-32968870-C-G.
Other names: short protein forms L3101V.
Identifiers: ClinVar variation 52809 (VCV000052809.18), dbSNP rs80359202, ClinGen allele CA026097.
Genomic context (GRCh38, chr13:32,394,733, plus strand): 5'-TTTTTTTCCATTCTAGGACTTGCCCCTTTCGTCTATTTGTCAGACGAATGTTACAATTTA[C>G]TGGCAATAAAGTTTTGGATAGACCTTAATGAGGACATTATTAAGCCTCATATGTTAATTG-3'
Protein context (NP_000050.3, residues 3091-3111): VYLSDECYNL[Leu3101Val]AIKFWIDLNE